The following is an entry in ClinVar:

ClinVar aggregate classification (germline): Uncertain significance. Review status: criteria provided, multiple submitters, no conflicts (2 of 4 stars). 2 submissions from 2 submitters: Uncertain significance (2). Last evaluated 2024-04-30.

Conditions:
Hereditary cancer-predisposing syndrome. Also called: Hereditary neoplastic syndrome; Neoplastic Syndromes, Hereditary; Tumor predisposition; Hereditary Cancer Syndrome. Identifiers: Orphanet 140162, MedGen C0027672, MeSH D009386, MONDO:0015356.

Allele frequency attached by ClinVar (database versions not stated): TOPMed below 0.00001; gnomAD 0.00001.
gnomAD v4.1: 1 of 1,613,452 alleles (0.000062%); highest among the groups gnomAD compares: Non-Finnish European, 0.000085%; no homozygotes.

Submissions (2):

Labcorp Genetics (formerly Invitae), Labcorp
Classification: Uncertain significance for Hereditary cancer-predisposing syndrome. Last evaluated: 2024-04-30. Review status: criteria provided, single submitter. Criteria: Invitae Variant Classification Sherloc (09022015). Collection method: clinical testing. Allele origin: germline.
Comment: This sequence change replaces phenylalanine, which is neutral and non-polar, with leucine, which is neutral and non-polar, at codon 176 of the RAD50 protein (p.Phe176Leu). This variant is not present in population databases (gnomAD no frequency). This variant has not been reported in the literature in individuals affected with RAD50-related conditions. ClinVar contains an entry for this variant (Variation ID: 939323). Advanced modeling of protein sequence and biophysical properties (such as structural, functional, and spatial information, amino acid conservation, physicochemical variation, residue mobility, and thermodynamic stability) has been performed at Invitae for this missense variant, however the output from this modeling did not meet the statistical confidence thresholds required to predict the impact of this variant on RAD50 protein function. In summary, the available evidence is currently insufficient to determine the role of this variant in disease. Therefore, it has been classified as a Variant of Uncertain Significance.

Ambry Genetics
Classification: Uncertain significance for Hereditary cancer-predisposing syndrome. Last evaluated: 2022-10-12. Review status: criteria provided, single submitter. Criteria: Ambry Variant Classification Scheme 2023. Collection method: clinical testing. Allele origin: germline.
Comment: The p.F176L variant (also known as c.528T>G), located in coding exon 4 of the RAD50 gene, results from a T to G substitution at nucleotide position 528. The phenylalanine at codon 176 is replaced by leucine, an amino acid with highly similar properties. This amino acid position is conserved. In addition, the in silico prediction for this alteration is inconclusive. Since supporting evidence is limited at this time, the clinical significance of this alteration remains unclear.

NM_005732.4(RAD50):c.528T>G (p.Phe176Leu)

Gene: RAD50 (RAD50 double strand break repair protein; plus strand). Cytogenetic location: 5q31.1.
Variant type: single nucleotide variant.
Coding change: c.528T>G on transcript NM_005732.4 (MANE Select); coding-DNA position 528, T replaced by G.
Protein change: p.Phe176Leu; replaces phenylalanine 176 with leucine.
Molecular consequence: missense variant.
Genome position (GRCh38, 1-based): chr5:132,579,479, T>G. VCF-style: chr5-132579479-T-G. GRCh37 (hg19) VCF-style: chr5-131915171-T-G.
Other names: short protein forms F176L.
Identifiers: ClinVar variation 939323 (VCV000939323.12), dbSNP rs1379723744, ClinGen allele CA360935003.